The following is an entry in ClinVar:

ClinVar aggregate classification (germline): Likely pathogenic (0 of 4 stars; one submission).

Conditions:
Neural tube defect (NTD). Also called: Neural tube defects. Identifiers: Orphanet 3388, Orphanet 823, MedGen C0027794, MONDO:0018075, HP:0045005.

Allele frequency attached by ClinVar (database versions not stated): ExAC 0.00001.

Submission:

Finnell Lab, Baylor College of Medicine
Classification: Likely pathogenic for Neural tube defects, susceptibility to. Review status: no assertion criteria provided. Collection method: case-control. Allele origin: unknown. Affected: yes. Observed: 1 heterozygote.
Comment: In vitro function study shows this variant potentially affects RAD9B's phosphorylation site.

NM_001286535.2(RAD9B):c.1060A>G (p.Ser354Gly)

Gene: RAD9B (RAD9 checkpoint clamp component B; plus strand). Cytogenetic location: 12q24.11.
Variant type: single nucleotide variant.
Coding change: c.1060A>G on transcript NM_001286535.2 (MANE Select); coding-DNA position 1060, A replaced by G.
Protein change: p.Ser354Gly; replaces serine 354 with glycine.
Molecular consequence: missense variant.
Genome position (GRCh38, 1-based): chr12:110,522,346, A>G. VCF-style: chr12-110522346-A-G. GRCh37 (hg19) VCF-style: chr12-110960151-A-G.
Other names: c.844A>G, p.Ser282Gly (NM_001286531.2, NM_001286532.2, NM_001368051.1 and 1 more transcripts); c.586A>G, p.Ser196Gly (NM_001286533.2, NM_001286534.2); c.853A>G, p.Ser285Gly (NM_001286536.2); c.1060A>G, p.Ser354Gly (NM_001368052.1, NM_152442.4); c.469A>G, p.Ser157Gly (NM_001368054.1, NM_001368055.1, NM_001368056.1); short protein forms S157G, S196G, S285G, S282G, S354G.
Identifiers: ClinVar variation 694315 (VCV000694315.2), dbSNP rs747100389, ClinGen allele CA6786140.